The following is an entry in ClinVar:

ClinVar aggregate classification (germline): Pathogenic (1 of 4 stars; one submission).

Submission:

Labcorp Genetics (formerly Invitae), Labcorp
Classification: Pathogenic. Last evaluated: 2025-05-05. Review status: criteria provided, single submitter. Criteria: Invitae Variant Classification Sherloc (09022015). Collection method: clinical testing. Allele origin: germline.
Comment: This sequence change creates a premature translational stop signal (p.Ser2806*) in the KMT2A gene. It is expected to result in an absent or disrupted protein product. Loss-of-function variants in KMT2A are known to be pathogenic (PMID: 22795537, 25810209, 29574747). This variant is not present in population databases (gnomAD no frequency). This variant has not been reported in the literature in individuals affected with KMT2A-related conditions. ClinVar contains an entry for this variant (Variation ID: 3632583). For these reasons, this variant has been classified as Pathogenic.

Literature cited by the submitters: PubMed 22795537; PubMed 25810209; PubMed 29574747.

NM_001197104.2(KMT2A):c.8417C>G (p.Ser2806Ter)

Gene: KMT2A (lysine methyltransferase 2A; plus strand). Cytogenetic location: 11q23.3.
Variant type: single nucleotide variant.
Coding change: c.8417C>G on transcript NM_001197104.2 (MANE Select); coding-DNA position 8417, C replaced by G.
Protein change: p.Ser2806Ter; replaces serine 2806 with a stop codon.
Molecular consequence: nonsense.
Genome position (GRCh38, 1-based): chr11:118,504,309, C>G. VCF-style: chr11-118504309-C-G. GRCh37 (hg19) VCF-style: chr11-118375024-C-G.
Other names: c.8507C>G, p.Ser2836Ter (NM_001412597.1); c.8408C>G, p.Ser2803Ter (NM_005933.4); short protein forms S2806*, S2803*, S2836*.
Identifiers: ClinVar variation 3632583 (VCV003632583.2).